The following is an entry in ClinVar:

ClinVar aggregate classification (germline): Uncertain significance. Review status: criteria provided, multiple submitters, no conflicts (2 of 4 stars). 3 submissions from 3 submitters: Uncertain significance (2). 1 of the submissions does not count toward it. Last evaluated 2024-02-20.

Conditions:
Nemaline myopathy 2 (NEM2). Also called: Nemaline myopathy 2, autosomal recessive. Identifiers: MedGen C1850569, MONDO:0009725, OMIM 256030.

Allele frequency attached by ClinVar (database versions not stated): ExAC 0.00001; gnomAD 0.00001; TOPMed 0.00001; gnomAD exomes 0.00002; ESP Exome Variant Server 0.00008.
gnomAD v4.1: 29 of 1,613,914 alleles (0.0018%); highest among the groups gnomAD compares: Non-Finnish European, 0.0024%; no homozygotes.

Submissions (3):

Labcorp Genetics (formerly Invitae), Labcorp
Classification: Uncertain significance for Nemaline myopathy 2. Last evaluated: 2024-02-20. Review status: criteria provided, single submitter. Criteria: Invitae Variant Classification Sherloc (09022015). Collection method: clinical testing. Allele origin: germline.
Comment: This sequence change replaces histidine, which is basic and polar, with arginine, which is basic and polar, at codon 3371 of the NEB protein (p.His3371Arg). This variant is present in population databases (rs372053480, gnomAD 0.003%). This variant has not been reported in the literature in individuals affected with NEB-related conditions. ClinVar contains an entry for this variant (Variation ID: 837461). Experimental studies and prediction algorithms are not available or were not evaluated, and the functional significance of this variant is currently unknown. In summary, the available evidence is currently insufficient to determine the role of this variant in disease. Therefore, it has been classified as a Variant of Uncertain Significance.

Revvity Omics, Revvity
Classification: Uncertain significance. Last evaluated: 2019-11-18. Review status: criteria provided, single submitter. Criteria: ACMG Guidelines, 2015. Collection method: clinical testing. Allele origin: germline.

Natera, Inc.
Classification: Uncertain significance for Nemaline myopathy type 2. Last evaluated: 2020-08-11. Review status: no assertion criteria provided. Collection method: clinical testing. Allele origin: germline. Not counted in ClinVar's aggregate classification.

NM_001164508.2(NEB):c.10112A>G (p.His3371Arg)

Gene: NEB (nebulin; minus strand). Cytogenetic location: 2q23.3.
Variant type: single nucleotide variant.
Coding change: c.10112A>G on transcript NM_001164508.2 (MANE Select); coding-DNA position 10112, A replaced by G.
Protein change: p.His3371Arg; replaces histidine 3371 with arginine.
Molecular consequence: missense variant.
Genome position (GRCh38, 1-based): chr2:151,627,554, T>C on the plus strand (A>G on the coding strand, the complement: NEB is on the minus strand). VCF-style: chr2-151627554-T-C. GRCh37 (hg19) VCF-style: chr2-152484068-T-C.
Other names: c.10112A>G, p.His3371Arg (NM_001164507.2, NM_001271208.2); c.9383A>G, p.His3128Arg (NM_004543.5); short protein forms H3128R, H3371R.
Identifiers: ClinVar variation 837461 (VCV000837461.10), dbSNP rs372053480, ClinGen allele CA1909121.